The following is an entry in ClinVar:

ClinVar aggregate classification (germline): Conflicting classifications of pathogenicity. Review status: criteria provided, conflicting classifications (1 of 4 stars). 6 submissions from 6 submitters: Uncertain significance (3); Likely benign (3). Last evaluated 2026-06-22.

Conditions:
TTN-related disorder. Also called: TTN-related condition; TTN-related disease; TTN-related disorders.

Allele frequency attached by ClinVar (database versions not stated): gnomAD 0.00003 and 0.00004; ExAC 0.00008; TOPMed 0.00008; gnomAD exomes 0.00009.
gnomAD v4.1: 69 of 1,613,186 alleles (0.0043%); highest among the groups gnomAD compares: Admixed American, 0.042%; no homozygotes.

Submissions (6):

PreventionGenetics, part of Exact Sciences
Classification: Uncertain significance for TTN-related condition. Last evaluated: 2026-06-22. Review status: criteria provided, single submitter. Criteria: ACMG Guidelines, 2015. Collection method: clinical testing. Allele origin: germline.
Comment: The TTN c.21544C>T variant is predicted to result in the amino acid substitution p.Arg7182Trp. To our knowledge, this variant has not been reported in the literature. This variant is reported in 0.052% of alleles in individuals of Latino descent in gnomAD. Although we suspect that this variant may be benign, at this time, the clinical significance of this variant is uncertain due to the absence of conclusive functional and genetic evidence.

Women's Health and Genetics/Laboratory Corporation of America, LabCorp
Classification: Likely benign. Last evaluated: 2026-01-19. Review status: criteria provided, single submitter. Criteria: LabCorp Variant Classification Summary - May 2015. Collection method: clinical testing. Allele origin: germline.
Comment: Variant summary: TTN c.17812C>T (p.Arg5938Trp) results in a non-conservative amino acid change in the encoded protein sequence. Algorithms developed to predict the effect of missense changes on protein structure and function are either unavailable or do not agree on the potential impact of this missense change. The variant allele was found at a frequency of 9.3e-05 in 248366 control chromosomes, predominantly at a frequency of 0.00052 within the Latino subpopulation in the gnomAD database. The observed variant frequency within Latino control individuals in the gnomAD database exceeds the estimated maximal expected allele frequency for disease-causing variants in TTN. To our knowledge, no occurrence of c.17812C>T in individuals affected with TTN-related conditions and no experimental evidence demonstrating its impact on protein function have been reported. ClinVar contains an entry for this variant (Variation ID: 179246). Based on the evidence outlined above, the variant was classified as likely benign.

Revvity Omics, Revvity
Classification: Uncertain significance. Last evaluated: 2024-09-22. Review status: criteria provided, single submitter. Criteria: ACMG Guidelines, 2015. Collection method: clinical testing. Allele origin: germline.

Blueprint Genetics
Classification: Likely benign. Last evaluated: 2023-05-25. Review status: criteria provided, single submitter. Criteria: ACMG Guidelines, 2015. Collection method: clinical testing. Allele origin: germline.

GeneDx
Classification: Likely benign. Last evaluated: 2021-04-29. Review status: criteria provided, single submitter. Criteria: GeneDx Variant Classification Process June 2021. Collection method: clinical testing. Allele origin: germline. Affected: yes.

Laboratory for Molecular Medicine, Mass General Brigham Personalized Medicine
Classification: Uncertain significance. Last evaluated: 2015-01-29. Review status: criteria provided, single submitter. Criteria: LMM Criteria. Collection method: clinical testing. Allele origin: germline. Observed: 2 variant alleles.
Comment: Variant classified as Uncertain Significance - Favor Benign. The p.Arg5938Trp va riant in TTN has not been previously reported in any other families with cardiom yopathy. This variant has been identified in 8/11348 Latino chromosomes by the E xome Aggregation Consortium (ExAC). Arginine (Ar g) at position 5938 is not conserved in mammals or in evolutionarily distant spe cies and one primate (gorilla) has a tryptophan (Trp) at this position, raising the possibility that this change is tolerated. In summary, while the clinical si gnificance of the p.Arg5938Trp variant is uncertain, the presence of the variant amino acid in another primate as well as its the presence in the general popula tion suggests that it is more likely to be benign.

NM_001267550.2(TTN):c.21544C>T (p.Arg7182Trp)

Gene: TTN (titin; minus strand). Cytogenetic location: 2q31.2.
Variant type: single nucleotide variant.
Coding change: c.21544C>T on transcript NM_001267550.2 (MANE Select); coding-DNA position 21544, C replaced by T.
Protein change: p.Arg7182Trp; replaces arginine 7182 with tryptophan.
Molecular consequence: missense variant. On other transcripts: intron variant (3).
Genome position (GRCh38, 1-based): chr2:178,723,556, G>A on the plus strand (C>T on the coding strand, the complement: TTN is on the minus strand). VCF-style: chr2-178723556-G-A. GRCh37 (hg19) VCF-style: chr2-179588283-G-A.
Other names: c.20593C>T, p.Arg6865Trp (NM_001256850.1); c.13282+14526C>T (NM_003319.4); c.13858+14526C>T (NM_133437.4); c.13657+14526C>T (NM_133432.3); c.17812C>T, p.Arg5938Trp (NM_133378.4); short protein forms R5938W, R7182W, R6865W.
Identifiers: ClinVar variation 179246 (VCV000179246.14), dbSNP rs727504736, ClinGen allele CA184043.